The following is an entry in ClinVar:

ClinVar aggregate classification (germline): Conflicting classifications of pathogenicity. Review status: criteria provided, conflicting classifications (1 of 4 stars). 2 submissions from 2 submitters: Uncertain significance (1); Likely benign (1). Last evaluated 2025-08-31.

Conditions:
Emery-Dreifuss muscular dystrophy 4, autosomal dominant (EDMD4). Also called: EMERY-DREIFUSS MUSCULAR DYSTROPHY 4 WITH VARIABLE FEATURES. Identifiers: Orphanet 261, MedGen C2751807, MONDO:0013071, OMIM 612998.
Autosomal recessive ataxia, Beauce type. Also called: ATAXIA, RECESSIVE, OF BEAUCE; SYNE1-Related Autosomal Recessive Cerebellar Ataxia; Spinocerebellar ataxia, autosomal recessive 8; SYNE1 Deficiency. Identifiers: Orphanet 88644, MedGen C1853116, MONDO:0012549, OMIM 610743.

Submissions (2):

Labcorp Genetics (formerly Invitae), Labcorp
Classification: Likely benign for Emery-Dreifuss muscular dystrophy 4, autosomal dominant; Autosomal recessive ataxia, Beauce type. Last evaluated: 2025-08-31. Review status: criteria provided, single submitter. Criteria: Invitae Variant Classification Sherloc (09022015). Collection method: clinical testing. Allele origin: germline.

Dasa
Classification: Uncertain significance. Last evaluated: 2025-07-22. Review status: criteria provided, single submitter. Criteria: DASA Assertion Criteria. Collection method: clinical testing. Allele origin: germline.
Comment: NM_182961.4(SYNE1):c.9807+14C>T is an intronic variant. This variant is rare in population databases. The currently available literature and clinical evidence are not sufficient to establish a definitive association between this variant and the reported condition. Therefore, this variant is classified as a variant of uncertain significance.

NM_182961.4(SYNE1):c.9807+14C>T

Gene: SYNE1 (spectrin repeat containing nuclear envelope protein 1; minus strand). Cytogenetic location: 6q25.2.
Variant type: single nucleotide variant.
Coding change: c.9807+14C>T on transcript NM_182961.4 (MANE Select); 14 bases into the intron after coding-DNA position 9807, C replaced by T.
Molecular consequence: intron variant.
Genome position (GRCh38, 1-based): chr6:152,368,958, G>A on the plus strand (C>T on the coding strand, the complement: SYNE1 is on the minus strand). VCF-style: chr6-152368958-G-A. GRCh37 (hg19) VCF-style: chr6-152690093-G-A.
Other names: c.9828+14C>T (NM_033071.5).
Identifiers: ClinVar variation 4794617 (VCV004794617.3).
Genomic context (GRCh38, chr6:152,368,958, plus strand): 5'-CCTGCAGAACCTGCTGCAACTCCAATTTTGCGACATCAGTATCACACTCACACACAGCAC[G>A]TGCCAGGCGTTACCTTTGTTAAATTGCTTAGCGCTAGATACTGAGAAGACAGCTGCGACA-3'